The following is an entry in ClinVar:

NM_006031.6(PCNT):c.9838A>G (p.Arg3280Gly)

Gene: PCNT (pericentrin; plus strand). Cytogenetic location: 21q22.3.
Variant type: single nucleotide variant.
Coding change: c.9838A>G on transcript NM_006031.6 (MANE Select); coding-DNA position 9838, A replaced by G.
Protein change: p.Arg3280Gly; replaces arginine 3280 with glycine.
Molecular consequence: missense variant.
Genome position (GRCh38, 1-based): chr21:46,443,947, A>G. VCF-style: chr21-46443947-A-G. GRCh37 (hg19) VCF-style: chr21-47863860-A-G.
Other names: c.9247A>G, p.Arg3083Gly (NM_001315529.2); short protein forms R3083G, R3280G.
Identifiers: ClinVar variation 1515801 (VCV001515801.6), dbSNP rs2148130857, ClinGen allele CA410579725.

ClinVar aggregate classification (germline): Uncertain significance (1 of 4 stars; one submission).

gnomAD v4.1: 6 of 1,611,928 alleles (0.00037%); highest among the groups gnomAD compares: Non-Finnish European, 0.00051%; no homozygotes.

Submission:

Labcorp Genetics (formerly Invitae), Labcorp
Classification: Uncertain significance. Last evaluated: 2023-12-11. Review status: criteria provided, single submitter. Criteria: Invitae Variant Classification Sherloc (09022015). Collection method: clinical testing. Allele origin: germline.
Comment: This sequence change replaces arginine, which is basic and polar, with glycine, which is neutral and non-polar, at codon 3280 of the PCNT protein (p.Arg3280Gly). This variant is not present in population databases (gnomAD no frequency). This variant has not been reported in the literature in individuals affected with PCNT-related conditions. ClinVar contains an entry for this variant (Variation ID: 1515801). An algorithm developed to predict the effect of missense changes on protein structure and function (PolyPhen-2) suggests that this variant is likely to be disruptive. Algorithms developed to predict the effect of sequence changes on RNA splicing suggest that this variant may disrupt the consensus splice site. In summary, the available evidence is currently insufficient to determine the role of this variant in disease. Therefore, it has been classified as a Variant of Uncertain Significance.